The following is an entry in ClinVar:

ClinVar aggregate classification (germline): Uncertain significance (1 of 4 stars; one submission).

Conditions:
Succinate-semialdehyde dehydrogenase deficiency (SSADHD). Also called: GABA METABOLIC DEFECT; SSADH DEFICIENCY; Succinic Semialdehyde Dehydrogenase Deficiency; 4-HYDROXYBUTYRIC ACIDURIA. Identifiers: Orphanet 22, MedGen C0268631, MONDO:0010083, OMIM 271980.

Submission:

Labcorp Genetics (formerly Invitae), Labcorp
Classification: Uncertain significance for Succinate-semialdehyde dehydrogenase deficiency. Last evaluated: 2022-09-01. Review status: criteria provided, single submitter. Criteria: Invitae Variant Classification Sherloc (09022015). Collection method: clinical testing. Allele origin: germline.
Comment: This sequence change replaces leucine, which is neutral and non-polar, with phenylalanine, which is neutral and non-polar, at codon 527 of the ALDH5A1 protein (p.Leu527Phe). This variant is not present in population databases (gnomAD no frequency). This variant has not been reported in the literature in individuals affected with ALDH5A1-related conditions. Advanced modeling of protein sequence and biophysical properties (such as structural, functional, and spatial information, amino acid conservation, physicochemical variation, residue mobility, and thermodynamic stability) performed at Invitae indicates that this missense variant is not expected to disrupt ALDH5A1 protein function. In summary, the available evidence is currently insufficient to determine the role of this variant in disease. Therefore, it has been classified as a Variant of Uncertain Significance.

NM_001080.3(ALDH5A1):c.1579C>T (p.Leu527Phe)

Gene: ALDH5A1 (aldehyde dehydrogenase 5 family member A1; plus strand). Cytogenetic location: 6p22.3.
Variant type: single nucleotide variant.
Coding change: c.1579C>T on transcript NM_001080.3 (MANE Select); coding-DNA position 1579, C replaced by T.
Protein change: p.Leu527Phe; replaces leucine 527 with phenylalanine.
Molecular consequence: missense variant.
Genome position (GRCh38, 1-based): chr6:24,533,683, C>T. VCF-style: chr6-24533683-C-T. GRCh37 (hg19) VCF-style: chr6-24533911-C-T.
Other names: c.1435C>T, p.Leu479Phe (NM_001368954.1); c.1618C>T, p.Leu540Phe (NM_170740.1); short protein forms L479F, L540F, L527F.
Identifiers: ClinVar variation 2011542 (VCV002011542.1), dbSNP rs2532889670, ClinGen allele CA362967911.